The following is an entry in ClinVar:

ClinVar aggregate classification (germline): Uncertain significance (1 of 4 stars; one submission).

gnomAD v4.1: 32 of 1,544,368 alleles (0.0021%); highest among the groups gnomAD compares: Admixed American, 0.016%; no homozygotes.

Submission:

Labcorp Genetics (formerly Invitae), Labcorp
Classification: Uncertain significance. Last evaluated: 2022-08-12. Review status: criteria provided, single submitter. Criteria: Invitae Variant Classification Sherloc (09022015). Collection method: clinical testing. Allele origin: germline.
Comment: In summary, the available evidence is currently insufficient to determine the role of this variant in disease. Therefore, it has been classified as a Variant of Uncertain Significance. Algorithms developed to predict the effect of missense changes on protein structure and function are either unavailable or do not agree on the potential impact of this missense change (SIFT: "Deleterious"; PolyPhen-2: "Possibly Damaging"; Align-GVGD: "Class C0"). This variant has not been reported in the literature in individuals affected with LRRC56-related conditions. This variant is present in population databases (no rsID available, gnomAD 0.009%). This sequence change replaces alanine, which is neutral and non-polar, with aspartic acid, which is acidic and polar, at codon 241 of the LRRC56 protein (p.Ala241Asp).

NM_198075.4(LRRC56):c.722C>A (p.Ala241Asp)

Gene: LRRC56 (leucine rich repeat containing 56; plus strand). Cytogenetic location: 11p15.5.
Variant type: single nucleotide variant.
Coding change: c.722C>A on transcript NM_198075.4 (MANE Select); coding-DNA position 722, C replaced by A.
Protein change: p.Ala241Asp; replaces alanine 241 with aspartic acid.
Molecular consequence: missense variant.
Genome position (GRCh38, 1-based): chr11:551,228, C>A. VCF-style: chr11-551228-C-A. GRCh37 (hg19) VCF-style: chr11-551228-C-A.
Other names: short protein forms A241D.
Identifiers: ClinVar variation 1909022 (VCV001909022.5), dbSNP rs915526911, ClinGen allele CA216895959.